The following is an entry in ClinVar:

ClinVar aggregate classification (germline): Uncertain significance (1 of 4 stars; one submission).

Conditions:
Developmental and epileptic encephalopathy, 1 (DEE1). Also called: INFANTILE SPASM SYNDROME, X-LINKED 1; X-linked infantile spasms; West's syndrome; Tonic spasms with clustering, arrest of psychomotor development and hypsarrhythmia on EEG; X-Linked Infantile Spasm Syndrome; OHTAHARA SYNDROME, X-LINKED. Identifiers: MedGen C3463992, MONDO:0010632, OMIM 308350. Disease mechanism: loss of function.
Autosomal dominant nonsyndromic hearing loss 65. Also called: TBC1D24-Related Autosomal Dominant Nonsyndromic Hearing Loss (DFNA); Deafness, autosomal dominant 65. Identifiers: Orphanet 90635, MedGen C3892048, MONDO:0014470, OMIM 616044.

Submission:

Labcorp Genetics (formerly Invitae), Labcorp
Classification: Uncertain significance for Developmental and epileptic encephalopathy, 1; Autosomal dominant nonsyndromic hearing loss 65. Last evaluated: 2019-04-09. Review status: criteria provided, single submitter. Criteria: Invitae Variant Classification Sherloc (09022015). Collection method: clinical testing. Allele origin: germline.
Comment: Algorithms developed to predict the effect of missense changes on protein structure and function are either unavailable or do not agree on the potential impact of this missense change (SIFT: "Tolerated"; PolyPhen-2: "Possibly Damaging"; Align-GVGD: "Class C0"). Algorithms developed to predict the effect of sequence changes on RNA splicing suggest that this variant may create or strengthen a splice site, but this prediction has not been confirmed by published transcriptional studies. In summary, the available evidence is currently insufficient to determine the role of this variant in disease. Therefore, it has been classified as a Variant of Uncertain Significance. This variant is not present in population databases (ExAC no frequency). This sequence change replaces histidine with tyrosine at codon 85 of the TBC1D24 protein (p.His85Tyr). The histidine residue is moderately conserved and there is a moderate physicochemical difference between histidine and tyrosine. This variant has not been reported in the literature in individuals with TBC1D24-related conditions.

NM_001199107.2(TBC1D24):c.253C>T (p.His85Tyr)

Gene: TBC1D24 (TBC1 domain family member 24; plus strand). Cytogenetic location: 16p13.3.
Variant type: single nucleotide variant.
Coding change: c.253C>T on transcript NM_001199107.2 (MANE Select); coding-DNA position 253, C replaced by T.
Protein change: p.His85Tyr; replaces histidine 85 with tyrosine.
Molecular consequence: missense variant.
Genome position (GRCh38, 1-based): chr16:2,496,401, C>T. VCF-style: chr16-2496401-C-T. GRCh37 (hg19) VCF-style: chr16-2546402-C-T.
Other names: c.253C>T, p.His85Tyr (NM_020705.3); short protein forms H85Y.
Identifiers: ClinVar variation 851338 (VCV000851338.10), dbSNP rs2065739166, ClinGen allele CA394375193.